The following is an entry in ClinVar:

ClinVar aggregate classification (germline): Uncertain significance (1 of 4 stars; one submission).

Submission:

GeneDx
Classification: Uncertain significance. Last evaluated: 2025-04-30. Review status: criteria provided, single submitter. Criteria: GeneDx Variant Classification Process June 2021. Collection method: clinical testing. Allele origin: germline. Affected: yes.
Comment: Not observed at significant frequency in large population cohorts (gnomAD); Missense variant in a gene in which most reported pathogenic variants are truncating/loss of function; Has not been previously published as pathogenic or benign to our knowledge

NM_001267550.2(TTN):c.75463A>G (p.Thr25155Ala)

Genes: TTN (titin; minus strand), TTN-AS1 (TTN antisense RNA 1; plus strand). Cytogenetic location: 2q31.2.
Variant type: single nucleotide variant.
Coding change: c.75463A>G on transcript NM_001267550.2 (MANE Select); coding-DNA position 75463, A replaced by G.
Protein change: p.Thr25155Ala; replaces threonine 25155 with alanine.
Molecular consequence: missense variant.
Genome position (GRCh38, 1-based): chr2:178,570,669, T>C on the plus strand (A>G on the coding strand, the complement: TTN is on the minus strand). VCF-style: chr2-178570669-T-C. GRCh37 (hg19) VCF-style: chr2-179435396-T-C.
Other names: c.67759A>G, p.Thr22587Ala (NM_133378.4); c.48643A>G, p.Thr16215Ala (NM_133432.3); c.48844A>G, p.Thr16282Ala (NM_133437.4); c.70540A>G, p.Thr23514Ala (NM_001256850.1); c.48268A>G, p.Thr16090Ala (NM_003319.4); short protein forms T16090A, T16215A, T16282A, T22587A, T23514A, T25155A.
Identifiers: ClinVar variation 4527747 (VCV004527747.1).